The following is an entry in ClinVar:

ClinVar aggregate classification (germline): Uncertain significance (1 of 4 stars; one submission).

Conditions:
Aortic valve disease 2 (AOVD2). Identifiers: MedGen C3542024, MONDO:0013902, OMIM 614823.

Submission:

Labcorp Genetics (formerly Invitae), Labcorp
Classification: Uncertain significance for Aortic valve disease 2. Last evaluated: 2022-10-21. Review status: criteria provided, single submitter. Criteria: Invitae Variant Classification Sherloc (09022015). Collection method: clinical testing. Allele origin: germline.
Comment: In summary, the available evidence is currently insufficient to determine the role of this variant in disease. Therefore, it has been classified as a Variant of Uncertain Significance. Advanced modeling of protein sequence and biophysical properties (such as structural, functional, and spatial information, amino acid conservation, physicochemical variation, residue mobility, and thermodynamic stability) performed at Invitae indicates that this missense variant is not expected to disrupt SMAD6 protein function. This variant has not been reported in the literature in individuals affected with SMAD6-related conditions. This variant is not present in population databases (gnomAD no frequency). This sequence change replaces isoleucine, which is neutral and non-polar, with asparagine, which is neutral and polar, at codon 391 of the SMAD6 protein (p.Ile391Asn).

NM_005585.5(SMAD6):c.1172T>A (p.Ile391Asn)

Gene: SMAD6 (SMAD family member 6; plus strand). Cytogenetic location: 15q22.31.
Variant type: single nucleotide variant.
Coding change: c.1172T>A on transcript NM_005585.5 (MANE Select); coding-DNA position 1172, T replaced by A.
Protein change: p.Ile391Asn; replaces isoleucine 391 with asparagine.
Molecular consequence: missense variant. On other transcripts: non-coding transcript variant (1).
Genome position (GRCh38, 1-based): chr15:66,781,216, T>A. VCF-style: chr15-66781216-T-A. GRCh37 (hg19) VCF-style: chr15-67073554-T-A.
Other names: short protein forms I391N.
Identifiers: ClinVar variation 1722015 (VCV001722015.5), dbSNP rs2541897896, ClinGen allele CA393202010.